The following is an entry in ClinVar:

NM_000400.4(ERCC2):c.2171T>C (p.Met724Thr)

Gene: ERCC2 (ERCC excision repair 2, TFIIH core complex helicase subunit; minus strand). Cytogenetic location: 19q13.32.
Variant type: single nucleotide variant.
Coding change: c.2171T>C on transcript NM_000400.4 (MANE Select); coding-DNA position 2171, T replaced by C.
Protein change: p.Met724Thr; replaces methionine 724 with threonine.
Molecular consequence: missense variant.
Genome position (GRCh38, 1-based): chr19:45,352,228, A>G on the plus strand (T>C on the coding strand, the complement: ERCC2 is on the minus strand). VCF-style: chr19-45352228-A-G. GRCh37 (hg19) VCF-style: chr19-45855486-A-G.
Other names: short protein forms M724T.
Identifiers: ClinVar variation 1077127 (VCV001077127.8), dbSNP rs763701580, ClinGen allele CA9512860.

ClinVar aggregate classification (germline): Conflicting classifications of pathogenicity. Review status: criteria provided, conflicting classifications (1 of 4 stars). 4 submissions from 4 submitters: Pathogenic (1); Likely pathogenic (1); Uncertain significance (2). Last evaluated 2026-07-08.

Conditions:
ERCC2-related disorder. Also called: ERCC2-related disorders; ERCC2-related conditions; ERCC2-related condition. Identifiers: MedGen CN239291.
Corpus callosum, agenesis of. Also called: Corpus callosum agenesis; Mental retardation hypoplastic corpus callosum preauricular tag; Da silva syndrome; Isolated corpus callosum agenesis; Agenesis of the corpus callosum. Identifiers: Orphanet 200, MedGen C0175754, MONDO:0009022, OMIM 217990, HP:0001274.
Autosomal recessive ERCC2-related disorders.

Allele frequency attached by ClinVar (database versions not stated): ExAC 0.00004; gnomAD exomes 0.00004 and 0.00007; gnomAD 0.00006 and 0.00007; TOPMed 0.00006.

Submissions (4):

Myriad Genetics, Inc.
Classification: Uncertain significance for ERCC2-related disorder. Last evaluated: 2026-07-08. Review status: criteria provided, single submitter. Criteria: Myriad Autosomal Dominant, Autosomal Recessive and X-Linked Classification Criteria (2023). Collection method: clinical testing. Allele origin: unknown.
Comment: NM_000400.3(ERCC2):c.2171T>C(M724T) is a missense variant classified as a variant of uncertain significance in the context of ERCC2-related disorders. M724T has not been observed in cases with relevant disease. Relevant functional assessments of this variant are not available in the literature. M724T has been observed in referenced population frequency databases. In summary, there is insufficient evidence to classify NM_000400.3(ERCC2):c.2171T>C(M724T) as pathogenic or benign. Please note: this variant was assessed in the context of healthy population screening.

Variantyx, Inc.
Classification: Likely pathogenic for Autosomal recessive ERCC2-related disorders. Last evaluated: 2025-09-29. Review status: criteria provided, single submitter. Criteria: Variantyx Assertion Criteria 2022. Collection method: clinical testing. Allele origin: germline. Inheritance: Autosomal recessive inheritance. Affected: no.
Comment: This is a nonsynonymous variant in the ERCC2 gene (OMIM: 126340). Pathogenic variants in this gene have been associated with autosomal recessive ERCC2-related disorders. This variant has been reported in the homozygous or compound heterozygous state in at least one affected individual (PMID: 35229910) (PM3). It lies within a known hotspot for pathogenic variants or a well-established critical functional domain of the ERCC2 protein (PMID: 9238033) (PM1), and multiple computational algorithms predict a deleterious effect for this variant (REVEL score: 0.941) (PP3). This variant has a 0.0012% maximum allele frequency in non-founder control populations (PM2). Based on the current evidence, this variant is classified as likely pathogenic for autosomal recessive ERCC2-related disorders.

Labcorp Genetics (formerly Invitae), Labcorp
Classification: Uncertain significance. Last evaluated: 2022-10-24. Review status: criteria provided, single submitter. Criteria: Invitae Variant Classification Sherloc (09022015). Collection method: clinical testing. Allele origin: germline.
Comment: This sequence change replaces methionine, which is neutral and non-polar, with threonine, which is neutral and polar, at codon 724 of the ERCC2 protein (p.Met724Thr). This variant is present in population databases (rs763701580, gnomAD 0.1%). This variant has not been reported in the literature in individuals affected with ERCC2-related conditions. ClinVar contains an entry for this variant (Variation ID: 1077127). Advanced modeling of protein sequence and biophysical properties (such as structural, functional, and spatial information, amino acid conservation, physicochemical variation, residue mobility, and thermodynamic stability) performed at Invitae indicates that this missense variant is expected to disrupt ERCC2 protein function. In summary, the available evidence is currently insufficient to determine the role of this variant in disease. Therefore, it has been classified as a Variant of Uncertain Significance.

Genetics Institute, Tel Aviv Sourasky Medical Center
Classification: Pathogenic for Corpus callosum, agenesis of. Last evaluated: 2021-05-12. Review status: criteria provided, single submitter. Criteria: ACMG Guidelines, 2015. Collection method: clinical testing. Allele origin: inherited. Inheritance: Autosomal recessive inheritance.

Literature cited by the submitters: PubMed 35229910 (cited by Variantyx, Inc.).